The following is an entry in ClinVar:

NM_019109.5(ALG1):c.863-15A>C

Gene: ALG1 (ALG1 chitobiosyldiphosphodolichol beta-mannosyltransferase; plus strand). Cytogenetic location: 16p13.3.
Variant type: single nucleotide variant.
Coding change: c.863-15A>C on transcript NM_019109.5 (MANE Select); 15 bases into the intron before coding-DNA position 863, A replaced by C.
Molecular consequence: intron variant.
Genome position (GRCh38, 1-based): chr16:5,079,049, A>C. VCF-style: chr16-5079049-A-C. GRCh37 (hg19) VCF-style: chr16-5129050-A-C.
Other names: c.530-15A>C (NM_001330504.2).
Identifiers: ClinVar variation 387144 (VCV000387144.4), dbSNP rs371947976, ClinGen allele CA16607033.

ClinVar aggregate classification (germline): Likely benign. Review status: criteria provided, multiple submitters, no conflicts (2 of 4 stars). 2 submissions from 2 submitters: Likely benign (2). Last evaluated 2024-02-27.

Conditions:
ALG1-congenital disorder of glycosylation. Also called: CDG Ik; ALG1-CDG; CONGENITAL DISORDER OF GLYCOSYLATION, TYPE Ik. Identifiers: Orphanet 79327, MedGen C2931005, MONDO:0012052, OMIM 608540.

Allele frequency attached by ClinVar (database versions not stated): TOPMed 0.00001.
gnomAD v4.1: 3 of 1,602,902 alleles (0.00019%); highest among the groups gnomAD compares: African/African-American, 0.004%; no homozygotes.

Submissions (2):

Labcorp Genetics (formerly Invitae), Labcorp
Classification: Likely benign for ALG1-congenital disorder of glycosylation. Last evaluated: 2024-02-27. Review status: criteria provided, single submitter. Criteria: Invitae Variant Classification Sherloc (09022015). Collection method: clinical testing. Allele origin: germline.

GeneDx
Classification: Likely benign. Last evaluated: 2016-07-13. Review status: criteria provided, single submitter. Criteria: GeneDx Variant Classification (06012015). Collection method: clinical testing. Allele origin: germline. Affected: yes.
Comment: This variant is considered likely benign or benign based on one or more of the following criteria: it is a conservative change, it occurs at a poorly conserved position in the protein, it is predicted to be benign by multiple in silico algorithms, and/or has population frequency not consistent with disease.